The following is an entry in ClinVar:

NM_130468.4(CHST14):c.846G>C (p.Val282=)

Gene: CHST14 (carbohydrate sulfotransferase 14; plus strand). Cytogenetic location: 15q15.1.
Variant type: single nucleotide variant.
Coding change: c.846G>C on transcript NM_130468.4 (MANE Select); coding-DNA position 846, G replaced by C.
Protein change: p.Val282=; no amino-acid change (valine 282 retained).
Molecular consequence: synonymous variant.
Genome position (GRCh38, 1-based): chr15:40,472,059, G>C. VCF-style: chr15-40472059-G-C. GRCh37 (hg19) VCF-style: chr15-40764258-G-C.
Identifiers: ClinVar variation 507184 (VCV000507184.6), dbSNP rs139191820, ClinGen allele CA268822864.

ClinVar aggregate classification (germline): Likely benign. Review status: criteria provided, multiple submitters, no conflicts (2 of 4 stars). 3 submissions from 3 submitters: Likely benign (3). Last evaluated 2023-08-18.

Conditions:
Ehlers-Danlos syndrome, musculocontractural type (EDSMC). Also called: ARTHROGRYPOSIS, DISTAL, WITH PECULIAR FACIES AND HYDRONEPHROSIS; DUNDAR SYNDROME; ADDUCTED THUMB-CLUBFOOT SYNDROME; Adducted thumb, clubfoot, progressive joint and skin laxity syndrome. Identifiers: Orphanet 2953, MedGen C1866294, MONDO:0011142.
Cardiovascular phenotype. Identifiers: MedGen CN230736.

Allele frequency attached by ClinVar (database versions not stated): TOPMed 0.00001; ESP Exome Variant Server 0.00008.
gnomAD v4.1: 24 of 1,614,076 alleles (0.0015%); highest among the groups gnomAD compares: Non-Finnish European, 0.0019%; no homozygotes.

Submissions (3):

Labcorp Genetics (formerly Invitae), Labcorp
Classification: Likely benign for Ehlers-Danlos syndrome, musculocontractural type. Last evaluated: 2023-08-18. Review status: criteria provided, single submitter. Criteria: Invitae Variant Classification Sherloc (09022015). Collection method: clinical testing. Allele origin: germline.

Ambry Genetics
Classification: Likely benign for Cardiovascular phenotype. Last evaluated: 2022-09-19. Review status: criteria provided, single submitter. Criteria: Ambry Variant Classification Scheme 2023. Collection method: clinical testing. Allele origin: germline.

GeneDx
Classification: Likely benign. Last evaluated: 2017-01-31. Review status: criteria provided, single submitter. Criteria: GeneDx Variant Classification (06012015). Collection method: clinical testing. Allele origin: germline. Affected: yes.
Comment: This variant is considered likely benign or benign based on one or more of the following criteria: it is a conservative change, it occurs at a poorly conserved position in the protein, it is predicted to be benign by multiple in silico algorithms, and/or has population frequency not consistent with disease.